The following is an entry in ClinVar:

NM_000435.3(NOTCH3):c.4543C>G (p.Leu1515Val)

Gene: NOTCH3 (notch receptor 3; minus strand). Cytogenetic location: 19p13.12.
Variant type: single nucleotide variant.
Coding change: c.4543C>G on transcript NM_000435.3 (MANE Select); coding-DNA position 4543, C replaced by G.
Protein change: p.Leu1515Val; replaces leucine 1515 with valine.
Molecular consequence: missense variant.
Genome position (GRCh38, 1-based): chr19:15,174,261, G>C on the plus strand (C>G on the coding strand, the complement: NOTCH3 is on the minus strand). VCF-style: chr19-15174261-G-C. GRCh37 (hg19) VCF-style: chr19-15285072-G-C.
Other names: short protein forms L1515V.
Identifiers: ClinVar variation 5021008 (VCV005021008.1).
Genomic context (GRCh38, chr19:15,174,261, plus strand): 5'-GCCGCTGCAGAAAGTCGGCGCTGGAACGCAGTAGCTCCTCTGGCGGCAGCAGCACTGTGA[G>C]CACCAGCACGCCGCGGGCCAGCAGGGCCGGCACCTCGCTGGCACAATCCAGCCCATCCCA-3'
Protein context (NP_000426.2, residues 1505-1525): PALLARGVLV[Leu1515Val]TVLLPPEELL

ClinVar aggregate classification (germline): Uncertain significance (1 of 4 stars; one submission).

Submission:

Dasa
Classification: Uncertain significance. Last evaluated: 2025-01-27. Review status: criteria provided, single submitter. Criteria: DASA Assertion Criteria. Collection method: clinical testing. Allele origin: germline.
Comment: NM_000435.3(NOTCH3):c.4543C>G (p.Leu1515Val) is a missense variant that results in the substitution of leucine with valine. This variant is absent from population databases. Computational prediction algorithms are consistent with a benign effect. The currently available literature and clinical evidence are not sufficient to establish a definitive association between this variant and the reported condition. Therefore, this variant is classified as a variant of uncertain significance.